The following is an entry in ClinVar:

ClinVar aggregate classification (germline): Uncertain significance (1 of 4 stars; one submission).

Allele frequency attached by ClinVar (database versions not stated): gnomAD exomes below 0.00001.

Submission:

Labcorp Genetics (formerly Invitae), Labcorp
Classification: Uncertain significance. Last evaluated: 2022-10-17. Review status: criteria provided, single submitter. Criteria: Invitae Variant Classification Sherloc (09022015). Collection method: clinical testing. Allele origin: germline.
Comment: In summary, the available evidence is currently insufficient to determine the role of this variant in disease. Therefore, it has been classified as a Variant of Uncertain Significance. Algorithms developed to predict the effect of missense changes on protein structure and function output the following: SIFT: "Not Available"; PolyPhen-2: "Benign"; Align-GVGD: "Not Available". The glutamic acid amino acid residue is found in multiple mammalian species, which suggests that this missense change does not adversely affect protein function. This variant has not been reported in the literature in individuals affected with ITGB4-related conditions. This variant is not present in population databases (gnomAD no frequency). This sequence change replaces aspartic acid, which is acidic and polar, with glutamic acid, which is acidic and polar, at codon 1030 of the ITGB4 protein (p.Asp1030Glu).

NM_000213.5(ITGB4):c.3090T>A (p.Asp1030Glu)

Gene: ITGB4 (integrin subunit beta 4; plus strand). Cytogenetic location: 17q25.1.
Variant type: single nucleotide variant.
Coding change: c.3090T>A on transcript NM_000213.5 (MANE Select); coding-DNA position 3090, T replaced by A.
Protein change: p.Asp1030Glu; replaces aspartic acid 1030 with glutamic acid.
Molecular consequence: missense variant.
Genome position (GRCh38, 1-based): chr17:75,743,840, T>A. VCF-style: chr17-75743840-T-A. GRCh37 (hg19) VCF-style: chr17-73739921-T-A.
Other names: c.3090T>A, p.Asp1030Glu (NM_001005619.2, NM_001005731.3, NM_001321123.2); short protein forms D1030E.
Identifiers: ClinVar variation 1999541 (VCV001999541.4), dbSNP rs2545808954, ClinGen allele CA401071350.
Genomic context (GRCh38, chr17:75,743,840, plus strand): 5'-CCCTGTCATCCGGCGTGTCCTGGACGGCGGGAAGTCCCAGGTCTCCTACCGCACACAGGA[T>A]GGCACCGCGCAGGGCAACCGGGTGAGGCTGCGCCACAGGGTCGAGGGTGCAGCCCGGGGG-3'
Protein context (NP_000204.3, residues 1020-1040): GKSQVSYRTQ[Asp1030Glu]GTAQGNRDYI